The following is an entry in ClinVar:

NM_001044385.3(TMEM237):c.136+8G>A

Gene: TMEM237 (transmembrane protein 237; minus strand). Cytogenetic location: 2q33.1.
Variant type: single nucleotide variant.
Coding change: c.136+8G>A on transcript NM_001044385.3 (MANE Select); 8 bases into the intron after coding-DNA position 136, G replaced by A.
Molecular consequence: intron variant.
Genome position (GRCh38, 1-based): chr2:201,638,981, C>T on the plus strand (G>A on the coding strand, the complement: TMEM237 is on the minus strand). VCF-style: chr2-201638981-C-T. GRCh37 (hg19) VCF-style: chr2-202503704-C-T.
Other names: c.112+8G>A (NM_152388.4).
Identifiers: ClinVar variation 197176 (VCV000197176.48), dbSNP rs200618675, ClinGen allele CA202729.

ClinVar aggregate classification (germline): Benign/Likely benign. Review status: criteria provided, multiple submitters, no conflicts (2 of 4 stars). 9 submissions from 9 submitters: Benign (2); Likely benign (4). 3 of the submissions do not count toward it. Last evaluated 2026-01-26.

Conditions:
TMEM237-related disorder. Also called: TMEM237-related condition.
Joubert syndrome 14 (JBTS14). Identifiers: MedGen C3280766, MONDO:0013745, OMIM 614424.

Allele frequency attached by ClinVar (database versions not stated): gnomAD exomes 0.00019 and 0.00043; ExAC 0.00121; 1000 Genomes Project 0.00140; 1000 Genomes Project 30x 0.00187; gnomAD 0.00206 and 0.00220; TOPMed 0.00210; ESP Exome Variant Server 0.00219.
gnomAD v4.1: 588 of 1,576,592 alleles (0.037%); highest among the groups gnomAD compares: African/African-American, 0.72%; 7 homozygotes.

Submissions (9):

Labcorp Genetics (formerly Invitae), Labcorp
Classification: Benign for Joubert syndrome 14. Last evaluated: 2026-01-26. Review status: criteria provided, single submitter. Criteria: Invitae Variant Classification Sherloc (09022015). Collection method: clinical testing. Allele origin: germline.

Blueprint Genetics
Classification: Likely benign. Last evaluated: 2024-07-09. Review status: criteria provided, single submitter. Criteria: ACMG Guidelines, 2015. Collection method: clinical testing. Allele origin: germline.

CeGaT Center for Human Genetics Tuebingen
Classification: Likely benign. Last evaluated: 2023-05-01. Review status: criteria provided, single submitter. Criteria: CeGaT Center For Human Genetics Tuebingen Variant Classification Criteria Version 2. Collection method: clinical testing. Allele origin: germline. Affected: yes. Observed: 1 variant allele.
Comment: TMEM237: BP4, BS2

GeneDx
Classification: Likely benign. Last evaluated: 2018-03-21. Review status: criteria provided, single submitter. Criteria: GeneDx Variant Classification (06012015). Collection method: clinical testing. Allele origin: germline. Affected: yes.
Comment: This variant is considered likely benign or benign based on one or more of the following criteria: it is a conservative change, it occurs at a poorly conserved position in the protein, it is predicted to be benign by multiple in silico algorithms, and/or has population frequency not consistent with disease.

Illumina Laboratory Services, Illumina
Classification: Likely benign for Joubert syndrome 14. Last evaluated: 2018-01-13. Review status: criteria provided, single submitter. Criteria: ICSL Variant Classification Criteria 13 December 2019. Collection method: clinical testing. Allele origin: germline.
Comment: This variant was observed in the ICSL laboratory as part of a predisposition screen in an ostensibly healthy population. It had not been previously curated by ICSL or reported in the Human Gene Mutation Database (HGMD: prior to June 1st, 2018), and was therefore a candidate for classification through an automated scoring system. Utilizing variant allele frequency, disease prevalence and penetrance estimates, and inheritance mode, an automated score was calculated to assess if this variant is too frequent to cause the disease. Based on the score and internal cut-off values, a variant classified as likely benign is not then subjected to further curation. The score for this variant resulted in a classification of likely benign for this disease.

Eurofins Ntd Llc (ga)
Classification: Benign. Last evaluated: 2015-05-05. Review status: criteria provided, single submitter. Criteria: EGL Classification Definitions 2015. Collection method: clinical testing. Allele origin: germline. Observed: 1 variant allele, 1 heterozygote.

PreventionGenetics, part of Exact Sciences
Classification: Likely benign for TMEM237-related condition. Last evaluated: 2019-10-18. Review status: no assertion criteria provided. Collection method: clinical testing. Allele origin: germline. Not counted in ClinVar's aggregate classification.
Comment: This variant is classified as likely benign based on ACMG/AMP sequence variant interpretation guidelines (Richards et al. 2015 PMID: 25741868, with internal and published modifications).

Clinical Genetics DNA and cytogenetics Diagnostics Lab, Erasmus MC, Erasmus Medical Center
Classification: Benign. Review status: no assertion criteria provided. Collection method: clinical testing. Allele origin: germline. Affected: yes. Study: VKGL Data-share Consensus. Not counted in ClinVar's aggregate classification.

Clinical Genetics, Academic Medical Center
Classification: Benign. Review status: no assertion criteria provided. Collection method: clinical testing. Allele origin: germline. Affected: yes. Study: VKGL Data-share Consensus. Not counted in ClinVar's aggregate classification.